The following is an entry in ClinVar:

ClinVar aggregate classification (germline): Pathogenic/Likely pathogenic. Review status: criteria provided, multiple submitters, no conflicts (2 of 4 stars). 3 submissions from 3 submitters: Pathogenic (1); Likely pathogenic (2). Last evaluated 2024-11-21.

Conditions:
CSNK2A1-related disorder. Also called: CSNK2A1-related condition; CSNK2A1- Related Disorders.
Okur-Chung neurodevelopmental syndrome (OCNDS). Identifiers: Orphanet 689422, MedGen C4310739, MONDO:0014893, OMIM 617062.

Submissions (3):

Blueprint Genetics
Classification: Likely pathogenic for CSNK2A1-related disorders. Last evaluated: 2024-11-21. Review status: criteria provided, single submitter. Criteria: ACMG Guidelines, 2015. Collection method: clinical testing. Allele origin: germline. Affected: yes. Observed: 2 variant alleles.

Institute of Human Genetics, University of Leipzig Medical Center
Classification: Pathogenic for Okur-Chung neurodevelopmental syndrome. Last evaluated: 2024-06-10. Review status: criteria provided, single submitter. Criteria: ACMG Guidelines, 2015. Collection method: clinical testing. Allele origin: de novo. Inheritance: Autosomal dominant inheritance. Affected: yes.
Comment: Criteria applied: PVS1,PS2_MOD,PM2

Revvity Omics, Revvity
Classification: Likely pathogenic for Okur-Chung neurodevelopmental syndrome. Last evaluated: 2024-01-12. Review status: criteria provided, single submitter. Criteria: ACMG Guidelines, 2015. Collection method: clinical testing. Allele origin: germline.

NM_177559.3(CSNK2A1):c.139C>T (p.Arg47Ter)

Gene: CSNK2A1 (casein kinase 2 alpha 1; minus strand). Cytogenetic location: 20p13.
Variant type: single nucleotide variant.
Coding change: c.139C>T on transcript NM_177559.3 (MANE Select); coding-DNA position 139, C replaced by T.
Protein change: p.Arg47Ter; replaces arginine 47 with a stop codon.
Molecular consequence: nonsense. On other transcripts: 5 prime UTR variant (1).
Genome position (GRCh38, 1-based): chr20:505,192, G>A on the plus strand (C>T on the coding strand, the complement: CSNK2A1 is on the minus strand). VCF-style: chr20-505192-G-A. GRCh37 (hg19) VCF-style: chr20-485836-G-A.
Other names: c.139C>T, p.Arg47Ter (NM_001362770.2, NM_001362771.2, NM_001895.4); c.-270C>T (NM_177560.3); short protein forms R47*.
Identifiers: ClinVar variation 3359031 (VCV003359031.5).
Genomic context (GRCh38, chr20:505,192, plus strand): 5'-CAACAACTTTTTCATTATTTGTGATGTTGATGGCTTCAAATACTTCACTGTATTTACCTC[G>A]GCCTAATTTTCGAACCAGCTGGTAGTCATCTTGATTTCTGTGGACACAAACAAAATGACT-3'